The following is an entry in ClinVar:

NM_007283.7(MGLL):c.919G>A (p.Ala307Thr)

Gene: MGLL (monoglyceride lipase; minus strand). Cytogenetic location: 3q21.3.
Variant type: single nucleotide variant.
Coding change: c.919G>A on transcript NM_007283.7 (MANE Select); coding-DNA position 919, G replaced by A.
Protein change: p.Ala307Thr; replaces alanine 307 with threonine.
Molecular consequence: missense variant.
Genome position (GRCh38, 1-based): chr3:127,692,221, C>T on the plus strand (G>A on the coding strand, the complement: MGLL is on the minus strand). VCF-style: chr3-127692221-C-T. GRCh37 (hg19) VCF-style: chr3-127411064-C-T.
Other names: c.889G>A, p.Ala297Thr (NM_001003794.3, NM_001388315.1); c.829G>A, p.Ala277Thr (NM_001256585.2); c.997G>A, p.Ala333Thr (NM_001388312.1); c.967G>A, p.Ala323Thr (NM_001388313.1); c.799G>A, p.Ala267Thr (NM_001388316.1); c.811G>A, p.Ala271Thr (NM_001388317.1, NM_001388318.1); short protein forms A267T, A271T, A277T, A297T, A307T, A323T, A333T.
Identifiers: ClinVar variation 3039230 (VCV003039230.2), dbSNP rs138910107, ClinGen allele CA2597457.

ClinVar aggregate classification (germline): Likely benign (0 of 4 stars; one submission).

Conditions:
MGLL-related disorder. Also called: MGLL-related condition.

Allele frequency attached by ClinVar (database versions not stated): 1000 Genomes Project 30x 0.00187; 1000 Genomes Project 0.00200; TOPMed 0.00257; ESP Exome Variant Server 0.00307; ExAC 0.00321; gnomAD 0.00353; gnomAD exomes 0.00493.
gnomAD v4.1: 7,632 of 1,613,696 alleles (0.47%); highest among the groups gnomAD compares: Non-Finnish European, 0.54%; 43 homozygotes.

Submission:

PreventionGenetics, part of Exact Sciences
Classification: Likely benign for MGLL-related condition. Last evaluated: 2019-03-12. Review status: no assertion criteria provided. Collection method: clinical testing. Allele origin: germline.
Comment: This variant is classified as likely benign based on ACMG/AMP sequence variant interpretation guidelines (Richards et al. 2015 PMID: 25741868, with internal and published modifications).